The following is an entry in ClinVar:

NM_030632.3(ASXL3):c.5914T>C (p.Leu1972=)

Gene: ASXL3 (ASXL transcriptional regulator 3; plus strand). Cytogenetic location: 18q12.1.
Variant type: single nucleotide variant.
Coding change: c.5914T>C on transcript NM_030632.3 (MANE Select); coding-DNA position 5914, T replaced by C.
Protein change: p.Leu1972=; no amino-acid change (leucine 1972 retained).
Molecular consequence: synonymous variant.
Genome position (GRCh38, 1-based): chr18:33,745,762, T>C. VCF-style: chr18-33745762-T-C. GRCh37 (hg19) VCF-style: chr18-31325726-T-C.
Identifiers: ClinVar variation 1264909 (VCV001264909.3), dbSNP rs756733590, ClinGen allele CA8934502.

ClinVar aggregate classification (germline): Benign/Likely benign. Review status: criteria provided, multiple submitters, no conflicts (2 of 4 stars). 2 submissions from 2 submitters: Benign (1); Likely benign (1). Last evaluated 2026-07-01.

Allele frequency attached by ClinVar (database versions not stated): gnomAD 0.00002; gnomAD exomes 0.00003 and 0.00016; TOPMed 0.00006; ExAC 0.00013.
gnomAD v4.1: 50 of 1,613,832 alleles (0.0031%); highest among the groups gnomAD compares: Admixed American, 0.078%; no homozygotes.

Submissions (2):

CeGaT Center for Human Genetics Tuebingen
Classification: Likely benign. Last evaluated: 2026-07-01. Review status: criteria provided, single submitter. Criteria: CeGaT Center For Human Genetics Tuebingen Variant Classification Criteria Version 2. Collection method: clinical testing. Allele origin: germline. Affected: yes. Observed: 1 variant allele.
Comment: ASXL3: BP4, BP7

GeneDx
Classification: Benign. Last evaluated: 2021-02-14. Review status: criteria provided, single submitter. Criteria: GeneDx Variant Classification Process June 2021. Collection method: clinical testing. Allele origin: germline. Affected: yes.